The following is an entry in ClinVar:

NM_000238.4(KCNH2):c.2398+23T>G

Gene: KCNH2 (potassium voltage-gated channel subfamily H member 2; minus strand). Cytogenetic location: 7q36.1.
Variant type: single nucleotide variant.
Coding change: c.2398+23T>G on transcript NM_000238.4 (MANE Select); 23 bases into the intron after coding-DNA position 2398, T replaced by G.
Molecular consequence: intron variant. On other transcripts: synonymous variant (5).
Genome position (GRCh38, 1-based): chr7:150,950,145, A>C on the plus strand (T>G on the coding strand, the complement: KCNH2 is on the minus strand). VCF-style: chr7-150950145-A-C. GRCh37 (hg19) VCF-style: chr7-150647233-A-C.
Other names: c.1401T>G, p.Thr467= (NM_001204798.2); c.2244T>G, p.Thr748= (NM_001406755.1); c.2133T>G, p.Thr711= (NM_001406756.1); c.2121T>G, p.Thr707= (NM_001406757.1); c.2421T>G, p.Thr807= (NM_172056.3); c.2110+23T>G (NM_001406753.1); c.1378+23T>G (NM_172057.3).
Identifiers: ClinVar variation 3037220 (VCV003037220.2), dbSNP rs767088725, ClinGen allele CA032269.

ClinVar aggregate classification (germline): Likely benign (0 of 4 stars; one submission).

Conditions:
KCNH2-related disorder. Also called: KCNH2-related disorders; KCNH2-related condition.

Allele frequency attached by ClinVar (database versions not stated): ExAC 0.00001.

Submission:

PreventionGenetics, part of Exact Sciences
Classification: Likely benign for KCNH2-related condition. Last evaluated: 2020-06-30. Review status: no assertion criteria provided. Collection method: clinical testing. Allele origin: germline.
Comment: This variant is classified as likely benign based on ACMG/AMP sequence variant interpretation guidelines (Richards et al. 2015 PMID: 25741868, with internal and published modifications).